The following is an entry in ClinVar:

ClinVar aggregate classification (germline): Pathogenic. Review status: reviewed by expert panel (3 of 4 stars). 19 submissions from 18 submitters: Pathogenic (1). 18 of the submissions do not count toward it. Last evaluated 2017-03-17.

Conditions:
Cystic fibrosis diagnostic test.
CFTR-related disorder (CFTR-RD). Also called: CFTR-related condition; CFTR-related disorders. Identifiers: MedGen C5924204, MONDO:7770004.
Congenital bilateral aplasia of vas deferens from CFTR mutation (CBAVD). Identifiers: Orphanet 48, MedGen C0403814, MONDO:0010178, OMIM 277180. Disease mechanism: loss of function.
Cystic fibrosis (CF). Also called: MUCOVISCIDOSIS. Identifiers: Orphanet 586, MedGen C0010674, MONDO:0009061, OMIM 219700. Disease mechanism: loss of function.
Bronchiectasis with or without elevated sweat chloride 1 (BESC1). Also called: Cystic Fibrosis-Like Syndrome. Identifiers: Orphanet 60033, MedGen C2749757, MONDO:0008887, OMIM 211400.

Allele frequency attached by ClinVar (database versions not stated): gnomAD 0.00001; gnomAD exomes 0.00002; TOPMed 0.00002; ExAC 0.00002.
gnomAD v4.1: 18 of 1,613,896 alleles (0.0011%); highest among the groups gnomAD compares: South Asian, 0.014%; no homozygotes.

Submissions 1 to 16 of 19:

CFTR2
Classification: Pathogenic for Cystic fibrosis. Last evaluated: 2017-03-17. Review status: reviewed by expert panel. Criteria: Sosnay PR et al. (Nat Genet 2013). Collection method: research. Allele origin: germline. Affected: yes. Study: CFTR2.

Natera, Inc.
Classification: Pathogenic for CFTR-related disorders. Last evaluated: 2026-01-14. Review status: criteria provided, single submitter. Criteria: Natera Variant Classification Schema (03/2026). Collection method: clinical testing. Allele origin: germline. Not counted in ClinVar's aggregate classification.
Comment: The c.2125C>T variant in CFTR is a nonsense variant predicted to introduce a stop codon at amino acid 709. This variant is expected to result in nonsense mediated decay, truncation, or a dysfunctional protein product. This variant is rare in the general population with a frequency below the threshold expected for the associated phenotype(s). This variant has been observed in one or more individuals affected with the associated recessive disease, as either homozygous or compound heterozygous with a second variant (PMID: 27081564). Given the available evidence, this variant is classified as Pathogenic.

NHS Central & South Genomic Laboratory Hub
Classification: Pathogenic for Cystic fibrosis diagnostic test. Last evaluated: 2025-10-21. Review status: criteria provided, single submitter. Criteria: ACMG Guidelines, 2015. Collection method: clinical testing. Allele origin: germline. Affected: yes. Not counted in ClinVar's aggregate classification.

Genetics and Genomic Medicine Centre, NeuroGen Healthcare, NeuroGen Healthcare
Classification: Pathogenic for Cystic fibrosis. Last evaluated: 2025-03-23. Review status: criteria provided, single submitter. Criteria: ACMG Guidelines, 2015. Collection method: clinical testing. Allele origin: unknown. Affected: yes. Not counted in ClinVar's aggregate classification.

Quest Diagnostics Nichols Institute San Juan Capistrano
Classification: Pathogenic. Last evaluated: 2025-02-06. Review status: criteria provided, single submitter. Criteria: Quest Diagnostics criteria. Collection method: clinical testing. Allele origin: unknown. Not counted in ClinVar's aggregate classification.
Comment: The CFTR c.2125C>T (p.Arg709*) variant causes the premature termination of CFTR protein synthesis. In the published literature, this variant has been reported in numerous individuals with cystic fibrosis (CF) (PMIDs: 38966678 (2024), 35858753 (2022), 34782259 (2021), 32539862 (2020), 32026723 (2020), 26948992 (2016), 22658665 (2012), 22395041 (2012), 7535742 (1995)). The frequency of this variant in the general population (Genome Aggregation Database) is consistent with pathogenicity. Based on the available information, this variant is classified as pathogenic.

Labcorp Genetics (formerly Invitae), Labcorp
Classification: Pathogenic for Cystic fibrosis. Last evaluated: 2024-07-17. Review status: criteria provided, single submitter. Criteria: Invitae Variant Classification Sherloc (09022015). Collection method: clinical testing. Allele origin: germline. Not counted in ClinVar's aggregate classification.
Comment: This sequence change creates a premature translational stop signal (p.Arg709*) in the CFTR gene. It is expected to result in an absent or disrupted protein product. Loss-of-function variants in CFTR are known to be pathogenic (PMID: 1695717, 7691345, 9725922). This variant is present in population databases (rs121908760, gnomAD 0.01%). This premature translational stop signal has been observed in individual(s) with cystic fibrosis (PMID: 7535742, 9482579, 20059485, 23974870). ClinVar contains an entry for this variant (Variation ID: 53440). For these reasons, this variant has been classified as Pathogenic.

Johns Hopkins Genomics, Johns Hopkins University
Classification: Pathogenic for Cystic fibrosis. Last evaluated: 2024-05-08. Review status: criteria provided, single submitter. Criteria: ACMG Guidelines, 2015. Collection method: clinical testing. Allele origin: germline. Not counted in ClinVar's aggregate classification.
Comment: Disease-causing CFTR variant. See CFTR2 for phenotype information.

Baylor Genetics
Classification: Pathogenic for Bronchiectasis with or without elevated sweat chloride 1. Last evaluated: 2024-03-03. Review status: criteria provided, single submitter. Criteria: ACMG Guidelines, 2015. Collection method: clinical testing. Allele origin: unknown. Not counted in ClinVar's aggregate classification.

Ambry Genetics
Classification: Pathogenic for Cystic fibrosis. Last evaluated: 2022-07-06. Review status: criteria provided, single submitter. Criteria: Ambry Variant Classification Scheme 2023. Collection method: clinical testing. Allele origin: germline. Not counted in ClinVar's aggregate classification.
Comment: The p.R709* pathogenic mutation (also known as c.2125C>T), located in coding exon 14 of the CFTR gene, results from a C to T substitution at nucleotide position 2125. This changes the amino acid from an arginine to a stop codon within coding exon 14. This mutation was first described in an individual with pancreatic sufficient cystic fibrosis, who was compound heterozygous for p.F508del (Bonizzato A et al. Hum. Genet., 1995 Apr;95:397-402). This mutation is associated with elevated sweat chloride levels, pancreatic insufficiency, and an increased rate of Pseudomonas infection (Sosnay PR et al. Nat. Genet., 2013 Oct;45:1160-7). In addition to the clinical data presented in the literature, this alteration is expected to result in loss of function by premature protein truncation or nonsense-mediated mRNA decay. As such, this alteration is interpreted as a disease-causing mutation.

AiLife Diagnostics
Classification: Pathogenic. Last evaluated: 2022-03-22. Review status: criteria provided, single submitter. Criteria: ACMG Guidelines, 2015. Collection method: clinical testing. Allele origin: germline. Affected: yes. Observed: 1 variant allele. Not counted in ClinVar's aggregate classification.

Mayo Clinic Laboratories, Mayo Clinic
Classification: Pathogenic. Last evaluated: 2021-07-13. Review status: criteria provided, single submitter. Criteria: ACMG Guidelines, 2015. Collection method: clinical testing. Allele origin: germline. Not counted in ClinVar's aggregate classification.

Myriad Genetics, Inc.
Classification: Pathogenic for Cystic fibrosis. Last evaluated: 2019-12-04. Review status: criteria provided, single submitter. Criteria: Myriad Women's Health Autosomal Recessive and X-Linked Classification Criteria (2019). Collection method: clinical testing. Allele origin: unknown. Not counted in ClinVar's aggregate classification.
Comment: NM_000492.3(CFTR):c.2125C>T(R709*) is classified as pathogenic in the context of cystic fibrosis. Sources cited for classification include the following: PMID 23974870, 7535742 and 22658665. Classification of NM_000492.3(CFTR):c.2125C>T(R709*) is based on the following criteria: The variant causes a premature termination codon that is expected to be targeted by nonsense-mediated mRNA decay and is reported in individuals with the relevant phenotype. Please note: this variant was assessed in the context of healthy population screening.

ARUP Laboratories, Molecular Genetics and Genomics, ARUP Laboratories
Classification: Pathogenic. Last evaluated: 2018-11-20. Review status: criteria provided, single submitter. Criteria: ARUP Molecular Germline Variant Investigation Process. Collection method: clinical testing. Allele origin: germline. Not counted in ClinVar's aggregate classification.
Comment: The CFTR c.2125C>T; p.Arg709Ter variant (rs121908760) is reported in the literature in multiple individuals affected with pancreatic insufficient cystic fibrosis (Sosnay 2013, CFTR2 database, ABCC7 Mutation database and references therein). This variant is reported as pathogenic by multiple laboratories in ClinVar (Variation ID: 53440), and is absent from general population databases (1000 Genomes Project, Exome Variant Server, and Genome Aggregation Database), indicating it is not a common polymorphism. This variant induces an early termination codon and is predicted to result in a truncated protein or mRNA subject to nonsense-mediated decay. Based on available information, the p.Arg709Ter variant is considered to be pathogenic. References: Link to CFTR2 database: Link to ABCC7 (CFTR) Mutation database: Sosnay PR et al. Defining the disease liability of variants in the cystic fibrosis transmembrane conductance regulator gene. Nat Genet. 2013 Oct;45(10):1160-7.

Mendelics
Classification: Pathogenic for Cystic fibrosis. Last evaluated: 2018-11-05. Review status: criteria provided, single submitter. Criteria: Mendelics Assertion Criteria 2017. Collection method: clinical testing. Allele origin: unknown. Affected: yes. Not counted in ClinVar's aggregate classification.

Eurofins Ntd Llc (ga)
Classification: Pathogenic. Last evaluated: 2018-05-31. Review status: criteria provided, single submitter. Criteria: EGL ClinVar v180209 classification definitions. Collection method: clinical testing. Allele origin: germline. Observed: 3 variant alleles, 3 heterozygotes. Not counted in ClinVar's aggregate classification.

CFTR-France
Classification: Pathogenic for cystic fibrosis. Last evaluated: 2018-01-29. Review status: criteria provided, single submitter. Criteria: Claustres M et al. (Hum Mutat 2017). Collection method: curation. Allele origin: germline. Affected: yes. Not counted in ClinVar's aggregate classification.

NM_000492.4(CFTR):c.2125C>T (p.Arg709Ter)

Gene: CFTR (CF transmembrane conductance regulator; plus strand). Cytogenetic location: 7q31.2.
Variant type: single nucleotide variant.
Coding change: c.2125C>T on transcript NM_000492.4 (MANE Select); coding-DNA position 2125, C replaced by T.
Protein change: p.Arg709Ter; replaces arginine 709 with a stop codon.
Molecular consequence: nonsense.
Genome position (GRCh38, 1-based): chr7:117,592,292, C>T. VCF-style: chr7-117592292-C-T. GRCh37 (hg19) VCF-style: chr7-117232346-C-T.
Other names: p.Arg709*; short protein forms R709*.
Identifiers: ClinVar variation 53440 (VCV000053440.43), dbSNP rs121908760, ClinGen allele CA328093.
Genomic context (GRCh38, chr7:117,592,292, plus strand): 5'-CAGACTGGAGAGTTTGGGGAAAAAAGGAAGAATTCTATTCTCAATCCAATCAACTCTATA[C>T]GAAAATTTTCCATTGTGCAAAAGACTCCCTTACAAATGAATGGCATCGAAGAGGATTCTG-3'